The following is an entry in ClinVar:

ClinVar aggregate classification (germline): Uncertain significance (1 of 4 stars; one submission).

Conditions:
Charcot-Marie-Tooth disease type 2. Also called: Charcot-Marie-Tooth type 2. Identifiers: Orphanet 64746, MedGen C0270914, MONDO:0018993.

Allele frequency attached by ClinVar (database versions not stated): gnomAD exomes 0.00001; ExAC 0.00002.

Submission:

Labcorp Genetics (formerly Invitae), Labcorp
Classification: Uncertain significance for Charcot-Marie-Tooth disease type 2. Last evaluated: 2020-12-01. Review status: criteria provided, single submitter. Criteria: Invitae Variant Classification Sherloc (09022015). Collection method: clinical testing. Allele origin: germline.
Comment: This sequence change replaces alanine with glutamic acid at codon 368 of the MED25 protein (p.Ala368Glu). The alanine residue is moderately conserved and there is a moderate physicochemical difference between alanine and glutamic acid. This variant is present in population databases (rs769174134, ExAC 0.004%). This variant has not been reported in the literature in individuals with MED25-related conditions. ClinVar contains an entry for this variant (Variation ID: 329882). Algorithms developed to predict the effect of missense changes on protein structure and function are either unavailable or do not agree on the potential impact of this missense change (SIFT: "Deleterious"; PolyPhen-2: "Benign"; Align-GVGD: "Class C0"). In summary, the available evidence is currently insufficient to determine the role of this variant in disease. Therefore, it has been classified as a Variant of Uncertain Significance.

NM_030973.4(MED25):c.1103C>A (p.Ala368Glu)

Gene: MED25 (mediator complex subunit 25; plus strand). Cytogenetic location: 19q13.33.
Variant type: single nucleotide variant.
Coding change: c.1103C>A on transcript NM_030973.4 (MANE Select); coding-DNA position 1103, C replaced by A.
Protein change: p.Ala368Glu; replaces alanine 368 with glutamic acid.
Molecular consequence: missense variant.
Genome position (GRCh38, 1-based): chr19:49,831,334, C>A. VCF-style: chr19-49831334-C-A. GRCh37 (hg19) VCF-style: chr19-50334591-C-A.
Other names: c.1103C>A, p.Ala368Glu (NM_001378355.1); short protein forms A368E.
Identifiers: ClinVar variation 329882 (VCV000329882.11), dbSNP rs769174134, ClinGen allele CA9585157.